The following is an entry in ClinVar:

ClinVar aggregate classification (germline): Uncertain significance (1 of 4 stars; one submission).

Conditions:
Joubert syndrome. Also called: CEREBELLOPARENCHYMAL DISORDER IV; JOUBERT-BOLTSHAUSER SYNDROME; Familial aplasia of the vermis. Identifiers: Orphanet 475, MedGen C5979921, MONDO:0018772.
Meckel-Gruber syndrome. Also called: DYSENCEPHALIA SPLANCHNOCYSTICA; GRUBER SYNDROME; Dysencephalia splachnocystica. Identifiers: Orphanet 564, MedGen C0265215, MONDO:0018921.
Nephronophthisis. Also called: Juvenile Nephronophthisis. Identifiers: Orphanet 655, MedGen C0687120, MONDO:0019005, HP:0000090.

Allele frequency attached by ClinVar (database versions not stated): gnomAD exomes below 0.00001.
gnomAD v4.1: 1 of 1,613,720 alleles (0.000062%); highest among the groups gnomAD compares: Non-Finnish European, 0.000085%; no homozygotes.

Submission:

Labcorp Genetics (formerly Invitae), Labcorp
Classification: Uncertain significance for Joubert syndrome; Meckel-Gruber syndrome; Nephronophthisis. Last evaluated: 2022-05-25. Review status: criteria provided, single submitter. Criteria: Invitae Variant Classification Sherloc (09022015). Collection method: clinical testing. Allele origin: germline.
Comment: In summary, the available evidence is currently insufficient to determine the role of this variant in disease. Therefore, it has been classified as a Variant of Uncertain Significance. Algorithms developed to predict the effect of missense changes on protein structure and function are either unavailable or do not agree on the potential impact of this missense change (SIFT: "Deleterious"; PolyPhen-2: "Probably Damaging"; Align-GVGD: "Class C0"). This variant has not been reported in the literature in individuals affected with CEP290-related conditions. This variant is not present in population databases (gnomAD no frequency). This sequence change replaces glutamic acid, which is acidic and polar, with glycine, which is neutral and non-polar, at codon 130 of the CEP290 protein (p.Glu130Gly).

NM_025114.4(CEP290):c.389A>G (p.Glu130Gly)

Gene: CEP290 (centrosomal protein 290; minus strand). Cytogenetic location: 12q21.32.
Variant type: single nucleotide variant.
Coding change: c.389A>G on transcript NM_025114.4 (MANE Select); coding-DNA position 389, A replaced by G.
Protein change: p.Glu130Gly; replaces glutamic acid 130 with glycine.
Molecular consequence: missense variant.
Genome position (GRCh38, 1-based): chr12:88,136,695, T>C on the plus strand (A>G on the coding strand, the complement: CEP290 is on the minus strand). VCF-style: chr12-88136695-T-C. GRCh37 (hg19) VCF-style: chr12-88530472-T-C.
Other names: short protein forms E130G.
Identifiers: ClinVar variation 1967929 (VCV001967929.5), dbSNP rs2501709322, ClinGen allele CA385987346.
Genomic context (GRCh38, chr12:88,136,695, plus strand): 5'-TGCTTTACTTGCTCATTAACTTTCTTCTCTTTCTCCAACTCCTTTTCCATGTCCTCCAAT[T>C]CTCTATCTTTTTGTTCTAATTGTTTTTCAAGTTGGCAAATTTCATTACGTAAAAACCGAG-3'
Protein context (NP_079390.3, residues 120-140): LEKQLEQKDR[Glu130Gly]LEDMEKELEK